The following is an entry in ClinVar:

ClinVar aggregate classification (germline): Conflicting classifications of pathogenicity. Review status: criteria provided, conflicting classifications (1 of 4 stars). 3 submissions from 3 submitters: Uncertain significance (1); Benign (1); Likely benign (1). Last evaluated 2026-01-08.

Conditions:
Autoinflammatory syndrome. Identifiers: Orphanet 93665, MedGen C3890737, MONDO:0019751.
Familial cold autoinflammatory syndrome 2 (FCAS2). Identifiers: Orphanet 247868, MedGen C2673198, MONDO:0012724, OMIM 611762.

Allele frequency attached by ClinVar (database versions not stated): gnomAD 0.00009 and 0.00017; TOPMed 0.00010; ExAC 0.00026; gnomAD exomes 0.00027; 1000 Genomes Project 30x 0.00062; 1000 Genomes Project 0.00080.
gnomAD v4.1: 255 of 1,614,090 alleles (0.016%); highest among the groups gnomAD compares: South Asian, 0.14%; 1 homozygote.

Submissions (3):

Labcorp Genetics (formerly Invitae), Labcorp
Classification: Likely benign for Familial cold autoinflammatory syndrome 2. Last evaluated: 2026-01-08. Review status: criteria provided, single submitter. Criteria: Invitae Variant Classification Sherloc (09022015). Collection method: clinical testing. Allele origin: germline.

Illumina Laboratory Services, Illumina
Classification: Benign for Familial cold autoinflammatory syndrome 2. Last evaluated: 2018-01-12. Review status: criteria provided, single submitter. Criteria: ICSL Variant Classification Criteria 13 December 2019. Collection method: clinical testing. Allele origin: germline.
Comment: This variant was observed in the ICSL laboratory as part of a predisposition screen in an ostensibly healthy population. It had not been previously curated by ICSL or reported in the Human Gene Mutation Database (HGMD: prior to June 1st, 2018), and was therefore a candidate for classification through an automated scoring system. Utilizing variant allele frequency, disease prevalence and penetrance estimates, and inheritance mode, an automated score was calculated to assess if this variant is too frequent to cause the disease. Based on the score and internal cut-off values, a variant classified as benign is not then subjected to further curation. The score for this variant resulted in a classification of benign for this disease.

Genome Diagnostics Laboratory, The Hospital for Sick Children
Classification: Uncertain significance for Autoinflammatory syndrome. Last evaluated: 2016-12-16. Review status: criteria provided, single submitter. Criteria: ACMG Guidelines, 2015. Collection method: clinical testing. Allele origin: germline. Affected: yes.

NM_144687.4(NLRP12):c.2165G>A (p.Arg722Gln)

Gene: NLRP12 (NLR family pyrin domain containing 12; minus strand). Cytogenetic location: 19q13.42.
Variant type: single nucleotide variant.
Coding change: c.2165G>A on transcript NM_144687.4 (MANE Select); coding-DNA position 2165, G replaced by A.
Protein change: p.Arg722Gln; replaces arginine 722 with glutamine.
Molecular consequence: missense variant.
Genome position (GRCh38, 1-based): chr19:53,807,573, C>T on the plus strand (G>A on the coding strand, the complement: NLRP12 is on the minus strand). VCF-style: chr19-53807573-C-T. GRCh37 (hg19) VCF-style: chr19-54310827-C-T.
Other names: c.2168G>A, p.Arg723Gln (NM_001277126.2); c.2165G>A, p.Arg722Gln (NM_001277129.1); short protein forms R722Q, R723Q.
Identifiers: ClinVar variation 330025 (VCV000330025.16), dbSNP rs199475868, ClinGen allele CA9639204.